The following is an entry in ClinVar:

ClinVar aggregate classification (germline): Uncertain significance (0 of 4 stars; one submission).

Allele frequency attached by ClinVar (database versions not stated): 1000 Genomes Project 30x 0.00031; 1000 Genomes Project 0.00040; ExAC 0.00087; gnomAD exomes 0.00098 and 0.00162; TOPMed 0.00116; gnomAD 0.00121 and 0.00124; ESP Exome Variant Server 0.00177.
gnomAD v4.1: 2,537 of 1,613,990 alleles (0.16%); highest among the groups gnomAD compares: Non-Finnish European, 0.2%; 8 homozygotes.

Submission:

Greenwood Genetic Center Diagnostic Laboratories, Greenwood Genetic Center
Classification: Uncertain significance. Last evaluated: 2021-10-25. Review status: no assertion criteria provided. Collection method: clinical testing. Allele origin: germline. Affected: yes.
Comment: Gene of uncertain significance

NM_001101376.3(CFAP144):c.377G>A (p.Trp126Ter)

Gene: CFAP144 (cilia and flagella associated protein 144; plus strand). Cytogenetic location: 1p34.2.
Variant type: single nucleotide variant.
Coding change: c.377G>A on transcript NM_001101376.3 (MANE Select); coding-DNA position 377, G replaced by A.
Protein change: p.Trp126Ter; replaces tryptophan 126 with a stop codon.
Molecular consequence: nonsense.
Genome position (GRCh38, 1-based): chr1:43,156,285, G>A. VCF-style: chr1-43156285-G-A. GRCh37 (hg19) VCF-style: chr1-43621956-G-A.
Other names: short protein forms W126*.
Identifiers: ClinVar variation 1334644 (VCV001334644.4), dbSNP rs149435229, ClinGen allele CA803863.